The following is an entry in ClinVar:

NM_002335.4(LRP5):c.2319-2A>C

Gene: LRP5 (LDL receptor related protein 5; plus strand). Cytogenetic location: 11q13.2.
Variant type: single nucleotide variant.
Coding change: c.2319-2A>C on transcript NM_002335.4 (MANE Select); the canonical splice acceptor site of the intron before coding-DNA position 2319, A replaced by C.
Molecular consequence: splice acceptor variant.
Genome position (GRCh38, 1-based): chr11:68,411,434, A>C. VCF-style: chr11-68411434-A-C. GRCh37 (hg19) VCF-style: chr11-68178902-A-C.
Other names: c.576-2A>C (NM_001291902.2).
Identifiers: ClinVar variation 1067474 (VCV001067474.7), dbSNP rs2153167012, ClinGen allele CA381616763.

ClinVar aggregate classification (germline): Likely pathogenic (1 of 4 stars; one submission).

Submission:

Labcorp Genetics (formerly Invitae), Labcorp
Classification: Likely pathogenic. Last evaluated: 2021-02-04. Review status: criteria provided, single submitter. Criteria: Invitae Variant Classification Sherloc (09022015). Collection method: clinical testing. Allele origin: germline.
Comment: This sequence change affects an acceptor splice site in intron 10 of the LRP5 gene. It is expected to disrupt RNA splicing and likely results in an absent or disrupted protein product. In summary, the currently available evidence indicates that the variant is pathogenic, but additional data are needed to prove that conclusively. Therefore, this variant has been classified as Likely Pathogenic. Donor and acceptor splice site variants typically lead to a loss of protein function (PMID: 16199547), and loss-of-function variants in LRP5 are known to be pathogenic (PMID: 11719191, 16252235, 25711638). Algorithms developed to predict the effect of sequence changes on RNA splicing suggest that this variant may disrupt the consensus splice site, but this prediction has not been confirmed by published transcriptional studies. This variant has not been reported in the literature in individuals with LRP5-related conditions. This variant is not present in population databases (ExAC no frequency).

Literature cited by the submitters: PubMed 16199547; PubMed 11719191; PubMed 16252235; PubMed 25711638.